The following is an entry in ClinVar:

NM_001014987.2(LAT):c.157C>T (p.Arg53Trp)

Gene: LAT (linker for activation of T cells; plus strand). Cytogenetic location: 16p11.2.
Variant type: single nucleotide variant.
Coding change: c.157C>T on transcript NM_001014987.2 (MANE Select); coding-DNA position 157, C replaced by T.
Protein change: p.Arg53Trp; replaces arginine 53 with tryptophan.
Molecular consequence: missense variant.
Genome position (GRCh38, 1-based): chr16:28,985,882, C>T. VCF-style: chr16-28985882-C-T. GRCh37 (hg19) VCF-style: chr16-28997203-C-T.
Other names: c.157C>T, p.Arg53Trp (NM_001014988.2, NM_014387.4); c.265C>T, p.Arg89Trp (NM_001014989.2); short protein forms R53W, R89W.
Identifiers: ClinVar variation 4706535 (VCV004706535.1).
Genomic context (GRCh38, chr16:28,985,882, plus strand): 5'-GCCCCATCCCCAAGCTGTGTCTCCTTTACCAGTTTGTATCCAAGGGGCATCCAGTTCAAA[C>T]GGCCTCGTGAGTACAAGGAGGGTCCCCTACCTTGGGTGCCAGGGAGAGGGTCCCCTGGTG-3'
Protein context (NP_001014987.1, residues 43-63): SLYPRGIQFK[Arg53Trp]PHTVAPWPPA

ClinVar aggregate classification (germline): Uncertain significance (1 of 4 stars; one submission).

gnomAD v4.1: 13 of 1,614,104 alleles (0.00081%); highest among the groups gnomAD compares: Non-Finnish European, 0.001%; no homozygotes.

Submission:

Labcorp Genetics (formerly Invitae), Labcorp
Classification: Uncertain significance. Last evaluated: 2025-09-29. Review status: criteria provided, single submitter. Criteria: Invitae Variant Classification Sherloc (09022015). Collection method: clinical testing. Allele origin: germline.
Comment: This sequence change replaces arginine, which is basic and polar, with tryptophan, which is neutral and slightly polar, at codon 53 of the LAT protein (p.Arg53Trp). This variant is present in population databases (rs186783312, gnomAD 0.002%). This variant has not been reported in the literature in individuals affected with LAT-related conditions. An algorithm developed to predict the effect of missense changes on protein structure and function (PolyPhen-2) suggests that this variant is likely to be disruptive. In summary, the available evidence is currently insufficient to determine the role of this variant in disease. Therefore, it has been classified as a Variant of Uncertain Significance.